The following is an entry in ClinVar:

NM_016373.4(WWOX):c.230+3A>T

Gene: WWOX (WW domain containing oxidoreductase; plus strand). Cytogenetic location: 16q23.1.
Variant type: single nucleotide variant.
Coding change: c.230+3A>T on transcript NM_016373.4 (MANE Select); 3 bases into the intron after coding-DNA position 230, A replaced by T.
Molecular consequence: intron variant.
Genome position (GRCh38, 1-based): chr16:78,109,838, A>T. VCF-style: chr16-78109838-A-T. GRCh37 (hg19) VCF-style: chr16-78143735-A-T.
Other names: c.-110+3A>T (NM_001291997.2); c.230+3A>T (NM_130791.5).
Identifiers: ClinVar variation 1480421 (VCV001480421.6), dbSNP rs746149234, ClinGen allele CA8183095.

ClinVar aggregate classification (germline): Uncertain significance (1 of 4 stars; one submission).

Conditions:
Developmental and epileptic encephalopathy, 1 (DEE1). Also called: X-linked infantile spasms; West's syndrome; Tonic spasms with clustering, arrest of psychomotor development and hypsarrhythmia on EEG; X-Linked Infantile Spasm Syndrome; OHTAHARA SYNDROME, X-LINKED; INFANTILE SPASM SYNDROME, X-LINKED 1. Identifiers: MedGen C3463992, MONDO:0010632, OMIM 308350. Disease mechanism: loss of function.
Autosomal recessive spinocerebellar ataxia 12. Also called: SPINOCEREBELLAR ATAXIA WITH MENTAL RETARDATION AND EPILEPSY. Identifiers: Orphanet 284282, MedGen C3280452, MONDO:0013687, OMIM 614322.

Allele frequency attached by ClinVar (database versions not stated): gnomAD exomes below 0.00001; ExAC 0.00001.
gnomAD v4.1: 2 of 1,614,164 alleles (0.00012%); highest among the groups gnomAD compares: Non-Finnish European, 0.00017%; no homozygotes.

Submission:

Labcorp Genetics (formerly Invitae), Labcorp
Classification: Uncertain significance for Developmental and epileptic encephalopathy, 1; Autosomal recessive spinocerebellar ataxia 12. Last evaluated: 2021-05-18. Review status: criteria provided, single submitter. Criteria: Invitae Variant Classification Sherloc (09022015). Collection method: clinical testing. Allele origin: germline.
Comment: This variant is present in population databases (rs746149234, ExAC 0.001%). In summary, the available evidence is currently insufficient to determine the role of this variant in disease. Therefore, it has been classified as a Variant of Uncertain Significance. Nucleotide substitutions within the consensus splice site are a relatively common cause of aberrant splicing (PMID: 17576681, 9536098). Algorithms developed to predict the effect of sequence changes on RNA splicing suggest that this variant may disrupt the consensus splice site, but this prediction has not been confirmed by published transcriptional studies. This variant has not been reported in the literature in individuals with WWOX-related conditions. This sequence change falls in intron 3 of the WWOX gene. It does not directly change the encoded amino acid sequence of the WWOX protein. It affects a nucleotide within the consensus splice site of the intron.

Literature cited by the submitters: PubMed 17576681; PubMed 9536098.